The following is an entry in ClinVar:

NM_000051.4(ATM):c.3031A>G (p.Thr1011Ala)

Gene: ATM (ATM serine/threonine kinase; plus strand). Cytogenetic location: 11q22.3.
Variant type: single nucleotide variant.
Coding change: c.3031A>G on transcript NM_000051.4 (MANE Select); coding-DNA position 3031, A replaced by G.
Protein change: p.Thr1011Ala; replaces threonine 1011 with alanine.
Molecular consequence: missense variant.
Genome position (GRCh38, 1-based): chr11:108,271,360, A>G. VCF-style: chr11-108271360-A-G. GRCh37 (hg19) VCF-style: chr11-108142087-A-G.
Other names: c.3031A>G, p.Thr1011Ala (NM_001351834.2); short protein forms T1011A.
Identifiers: ClinVar variation 481123 (VCV000481123.12), dbSNP rs959314809, ClinGen allele CA228409821.

ClinVar aggregate classification (germline): Uncertain significance. Review status: criteria provided, multiple submitters, no conflicts (2 of 4 stars). 2 submissions from 2 submitters: Uncertain significance (2). Last evaluated 2025-08-11.

Conditions:
Hereditary cancer-predisposing syndrome. Also called: Hereditary neoplastic syndrome; Neoplastic Syndromes, Hereditary; Tumor predisposition; Hereditary Cancer Syndrome. Identifiers: Orphanet 140162, MedGen C0027672, MeSH D009386, MONDO:0015356.
Ataxia-telangiectasia syndrome (AT). Also called: LOUIS-BAR SYNDROME; Cerebello-oculocutaneous telangiectasia; Immunodeficiency with ataxia telangiectasia; AT, COMPLEMENTATION GROUP C; Ataxia-telangiectasia, complementation group D; ATAXIA-TELANGIECTASIA, COMPLEMENTATION GROUP A. Identifiers: Orphanet 100, MedGen C0004135, MONDO:0008840, OMIM 208900.

Allele frequency attached by ClinVar (database versions not stated): TOPMed 0.00001.

Submissions (2):

Labcorp Genetics (formerly Invitae), Labcorp
Classification: Uncertain significance for Ataxia-telangiectasia syndrome. Last evaluated: 2025-08-11. Review status: criteria provided, single submitter. Criteria: Invitae Variant Classification Sherloc (09022015). Collection method: clinical testing. Allele origin: germline.
Comment: This sequence change replaces threonine, which is neutral and polar, with alanine, which is neutral and non-polar, at codon 1011 of the ATM protein (p.Thr1011Ala). This variant is not present in population databases (gnomAD no frequency). This missense change has been observed in individual(s) with breast cancer (PMID: 31871109). ClinVar contains an entry for this variant (Variation ID: 481123). Invitae Evidence Modeling of protein sequence and biophysical properties (such as structural, functional, and spatial information, amino acid conservation, physicochemical variation, residue mobility, and thermodynamic stability) indicates that this missense variant is not expected to disrupt ATM protein function with a negative predictive value of 95%. In summary, the available evidence is currently insufficient to determine the role of this variant in disease. Therefore, it has been classified as a Variant of Uncertain Significance.

Ambry Genetics
Classification: Uncertain significance for Hereditary cancer-predisposing syndrome. Last evaluated: 2021-09-17. Review status: criteria provided, single submitter. Criteria: Ambry Variant Classification Scheme 2023. Collection method: clinical testing. Allele origin: germline.
Comment: The p.T1011A variant (also known as c.3031A>G), located in coding exon 19 of the ATM gene, results from an A to G substitution at nucleotide position 3031. The threonine at codon 1011 is replaced by alanine, an amino acid with similar properties. In a study of 196 women with breast cancer and 185 unaffected controls from Cameroon and Uganda, this variant was observed once (Adedokun B et al. Cancer Epidemiol Biomarkers Prev, 2020 02;29:359-367). This amino acid position is not well conserved in available vertebrate species. In addition, this alteration is predicted to be tolerated by in silico analysis. Since supporting evidence is limited at this time, the clinical significance of this alteration remains unclear.

Literature cited by the submitters: PubMed 31871109 (cited by Labcorp Genetics (formerly Invitae), Labcorp and Ambry Genetics).